The following is an entry in ClinVar:

NM_133259.4(LRPPRC):c.1267del (p.Ala423fs)

Gene: LRPPRC (leucine rich pentatricopeptide repeat containing; minus strand). Cytogenetic location: 2p21.
Variant type: Deletion.
Coding change: c.1267del on transcript NM_133259.4 (MANE Select); coding-DNA position 1267, one base deleted (G; older notation c.1267delG).
Protein change: p.Ala423fs; shifts the reading frame from alanine 423.
Molecular consequence: frameshift variant.
Genome position (GRCh38, 1-based): chr2:43,973,709, C deleted on the plus strand (G on the coding strand, the reverse complement: LRPPRC is on the minus strand); the first of 2 consecutive C bases (chr2:43,973,709-43,973,710); deleting either gives the same sequence. VCF-style (leftmost placement, unchanged base first): chr2-43973708-GC-G. GRCh37 (hg19) VCF-style: chr2-44200847-GC-G.
Other names: short protein forms A423fs.
Identifiers: ClinVar variation 948880 (VCV000948880.7), dbSNP rs1673920358, ClinGen allele CA1139656906.

ClinVar aggregate classification (germline): Pathogenic (1 of 4 stars; one submission).

Submission:

Labcorp Genetics (formerly Invitae), Labcorp
Classification: Pathogenic. Last evaluated: 2019-07-04. Review status: criteria provided, single submitter. Criteria: Invitae Variant Classification Sherloc (09022015). Collection method: clinical testing. Allele origin: germline.
Comment: This sequence change creates a premature translational stop signal (p.Ala423Glnfs*4) in the LRPPRC gene. It is expected to result in an absent or disrupted protein product. This variant is not present in population databases (ExAC no frequency). This variant has not been reported in the literature in individuals with LRPPRC-related conditions. Loss-of-function variants in LRPPRC are known to be pathogenic (PMID: 26510951). For these reasons, this variant has been classified as Pathogenic.

Literature cited by the submitters: PubMed 26510951.